The following is an entry in ClinVar:

ClinVar aggregate classification (germline): Uncertain significance. Review status: criteria provided, multiple submitters, no conflicts (2 of 4 stars). 2 submissions from 2 submitters: Uncertain significance (2). Last evaluated 2021-12-07.

Conditions:
Cleidocranial dysostosis (CLCD1). Also called: Cleidocranial Dysplasia Spectrum Disorder; cleidocranial dysplasia 1; Marie-Sainton disease. Identifiers: Orphanet 1452, MedGen C0008928, MONDO:0007340, OMIM 119600.
Metaphyseal dysplasia-maxillary hypoplasia-brachydacty syndrome. Also called: Metaphyseal dysplasia with maxillary hypoplasia and brachydactyly; Metaphyseal dysplasia with maxillary hypoplasia with or without brachydactyly; METAPHYSEAL DYSPLASIA AND MAXILLARY HYPOPLASIA WITH OR WITHOUT BRACHYDACTYLY. Identifiers: Orphanet 2504, MedGen C3549874, MONDO:0007984, OMIM 156510.

Allele frequency attached by ClinVar (database versions not stated): TOPMed below 0.00001; ExAC 0.00001; gnomAD exomes 0.00001; ESP Exome Variant Server 0.00008.
gnomAD v4.1: 18 of 1,613,722 alleles (0.0011%); highest among the groups gnomAD compares: Non-Finnish European, 0.0011%; no homozygotes.

Submissions (2):

Fulgent Genetics
Classification: Uncertain significance for Cleidocranial dysostosis; Metaphyseal dysplasia-maxillary hypoplasia-brachydacty syndrome. Last evaluated: 2021-12-07. Review status: criteria provided, single submitter. Criteria: ACMG Guidelines, 2015. Collection method: clinical testing. Allele origin: unknown.

Baylor Genetics
Classification: Uncertain significance for Cleidocranial dysostosis. Last evaluated: 2018-09-24. Review status: criteria provided, single submitter. Criteria: ACMG Guidelines, 2015. Collection method: clinical testing. Allele origin: unknown. Affected: yes.
Comment: This variant was determined to be of uncertain significance according to ACMG Guidelines, 2015 [PMID:25741868].

NM_001024630.4(RUNX2):c.863C>T (p.Pro288Leu)

Gene: RUNX2 (RUNX family transcription factor 2; plus strand). Cytogenetic location: 6p21.1.
Variant type: single nucleotide variant.
Coding change: c.863C>T on transcript NM_001024630.4 (MANE Select); coding-DNA position 863, C replaced by T.
Protein change: p.Pro288Leu; replaces proline 288 with leucine.
Molecular consequence: missense variant.
Genome position (GRCh38, 1-based): chr6:45,512,249, C>T. VCF-style: chr6-45512249-C-T. GRCh37 (hg19) VCF-style: chr6-45479986-C-T.
Other names: c.863C>T, p.Pro288Leu (NM_001015051.4); c.821C>T, p.Pro274Leu (NM_001278478.2, NM_001369405.1); short protein forms P288L, P274L.
Identifiers: ClinVar variation 1032545 (VCV001032545.2), dbSNP rs148326029, ClinGen allele CA3836513.
Genomic context (GRCh38, chr6:45,512,249, plus strand): 5'-TGTTTCTAAGGCTGCAATGGTTGCTATACTAAAGATTTTTCTTTTTCTTTTTCCCAGACC[C>T]CAGGCAGGCACAGTCTTCCCCGCCGTGGTCCTATGACCAGTCTTACCCCTCCTACCTGAG-3'
Protein context (NP_001019801.3, residues 278-298): NPQGQSQITD[Pro288Leu]RQAQSSPPWS